The following is an entry in ClinVar:

ClinVar aggregate classification (germline): Uncertain significance (1 of 4 stars; one submission).

Submission:

Labcorp Genetics (formerly Invitae), Labcorp
Classification: Uncertain significance. Last evaluated: 2022-08-22. Review status: criteria provided, single submitter. Criteria: Invitae Variant Classification Sherloc (09022015). Collection method: clinical testing. Allele origin: germline.
Comment: In summary, the available evidence is currently insufficient to determine the role of this variant in disease. Therefore, it has been classified as a Variant of Uncertain Significance. Algorithms developed to predict the effect of missense changes on protein structure and function (SIFT, PolyPhen-2, Align-GVGD) all suggest that this variant is likely to be tolerated. ClinVar contains an entry for this variant (Variation ID: 1363773). This variant has not been reported in the literature in individuals affected with WNT1-related conditions. This variant is not present in population databases (gnomAD no frequency). This sequence change replaces asparagine, which is neutral and polar, with threonine, which is neutral and polar, at codon 346 of the WNT1 protein (p.Asn346Thr).

NM_005430.4(WNT1):c.1037A>C (p.Asn346Thr)

Gene: WNT1 (Wnt family member 1; plus strand). Cytogenetic location: 12q13.12.
Variant type: single nucleotide variant.
Coding change: c.1037A>C on transcript NM_005430.4 (MANE Select); coding-DNA position 1037, A replaced by C.
Protein change: p.Asn346Thr; replaces asparagine 346 with threonine.
Molecular consequence: missense variant.
Genome position (GRCh38, 1-based): chr12:48,981,564, A>C. VCF-style: chr12-48981564-A-C. GRCh37 (hg19) VCF-style: chr12-49375347-A-C.
Other names: short protein forms N346T.
Identifiers: ClinVar variation 1363773 (VCV001363773.8), dbSNP rs2137625652, ClinGen allele CA384638685.